The following is an entry in ClinVar:

NM_003737.4(DCHS1):c.334C>T (p.Arg112Trp)

Gene: DCHS1 (dachsous cadherin-related 1; minus strand). Cytogenetic location: 11p15.4.
Variant type: single nucleotide variant.
Coding change: c.334C>T on transcript NM_003737.4 (MANE Select); coding-DNA position 334, C replaced by T.
Protein change: p.Arg112Trp; replaces arginine 112 with tryptophan.
Molecular consequence: missense variant.
Genome position (GRCh38, 1-based): chr11:6,641,280, G>A on the plus strand (C>T on the coding strand, the complement: DCHS1 is on the minus strand). VCF-style: chr11-6641280-G-A. GRCh37 (hg19) VCF-style: chr11-6662511-G-A.
Other names: c.334C>T (NM_003737.2); short protein forms R112W.
Identifiers: ClinVar variation 4074378 (VCV004074378.3).

ClinVar aggregate classification (germline): Uncertain significance. Review status: criteria provided, multiple submitters, no conflicts (2 of 4 stars). 3 submissions from 3 submitters: Uncertain significance (3). Last evaluated 2025-12-15.

Conditions:
Inborn genetic diseases. Identifiers: MedGen C0950123, MeSH D030342.

gnomAD v4.1: 25 of 1,613,662 alleles (0.0015%); highest among the groups gnomAD compares: Admixed American, 0.032%; no homozygotes.

Submissions (3):

Labcorp Genetics (formerly Invitae), Labcorp
Classification: Uncertain significance. Last evaluated: 2025-12-15. Review status: criteria provided, single submitter. Criteria: Invitae Variant Classification Sherloc (09022015). Collection method: clinical testing. Allele origin: germline.
Comment: This sequence change replaces arginine, which is basic and polar, with tryptophan, which is neutral and slightly polar, at codon 112 of the DCHS1 protein (p.Arg112Trp). This variant is present in population databases (rs367639691, gnomAD 0.04%). This variant has not been reported in the literature in individuals affected with DCHS1-related conditions. ClinVar contains an entry for this variant (Variation ID: 4074378). Invitae Evidence Modeling of protein sequence and biophysical properties (such as structural, functional, and spatial information, amino acid conservation, physicochemical variation, residue mobility, and thermodynamic stability) indicates that this missense variant is not expected to disrupt DCHS1 protein function with a negative predictive value of 80%. In summary, the available evidence is currently insufficient to determine the role of this variant in disease. Therefore, it has been classified as a Variant of Uncertain Significance.

Ambry Genetics
Classification: Uncertain significance for Inborn genetic diseases. Last evaluated: 2025-10-07. Review status: criteria provided, single submitter. Criteria: Ambry Variant Classification Scheme 2023. Collection method: clinical testing. Allele origin: germline.

GeneDx
Classification: Uncertain significance. Last evaluated: 2025-02-10. Review status: criteria provided, single submitter. Criteria: GeneDx Variant Classification Process June 2021. Collection method: clinical testing. Allele origin: germline. Affected: yes.
Comment: Identified in a large cohort of individuals with obsessive-compulsive disorder in published literature (PMID: 34183866); In silico analysis supports that this missense variant has a deleterious effect on protein structure/function; This variant is associated with the following publications: (PMID: 34183866)